The following is an entry in ClinVar:

ClinVar aggregate classification (germline): Uncertain significance (1 of 4 stars; one submission).

Conditions:
Bethlem myopathy 1A. Also called: Bethlem Muscular Dystrophy; Bethlem myopathy 1; MYOPATHY, BENIGN CONGENITAL, WITH CONTRACTURES. Identifiers: Orphanet 610, MedGen CN029274, MONDO:0024530, OMIM 158810.

Submission:

Labcorp Genetics (formerly Invitae), Labcorp
Classification: Uncertain significance for Bethlem myopathy 1A. Last evaluated: 2024-07-17. Review status: criteria provided, single submitter. Criteria: Invitae Variant Classification Sherloc (09022015). Collection method: clinical testing. Allele origin: germline.
Comment: This sequence change replaces glycine, which is neutral and non-polar, with alanine, which is neutral and non-polar, at codon 170 of the COL6A1 protein (p.Gly170Ala). This variant is not present in population databases (gnomAD no frequency). This variant has not been reported in the literature in individuals affected with COL6A1-related conditions. ClinVar contains an entry for this variant (Variation ID: 660814). Advanced modeling of protein sequence and biophysical properties (such as structural, functional, and spatial information, amino acid conservation, physicochemical variation, residue mobility, and thermodynamic stability) performed at Invitae indicates that this missense variant is not expected to disrupt COL6A1 protein function with a negative predictive value of 95%. In summary, the available evidence is currently insufficient to determine the role of this variant in disease. Therefore, it has been classified as a Variant of Uncertain Significance.

NM_001848.3(COL6A1):c.509G>C (p.Gly170Ala)

Gene: COL6A1 (collagen type VI alpha 1 chain; plus strand). Cytogenetic location: 21q22.3.
Variant type: single nucleotide variant.
Coding change: c.509G>C on transcript NM_001848.3 (MANE Select); coding-DNA position 509, G replaced by C.
Protein change: p.Gly170Ala; replaces glycine 170 with alanine.
Molecular consequence: missense variant.
Genome position (GRCh38, 1-based): chr21:45,986,606, G>C. VCF-style: chr21-45986606-G-C. GRCh37 (hg19) VCF-style: chr21-47406520-G-C.
Other names: short protein forms G170A.
Identifiers: ClinVar variation 660814 (VCV000660814.9), dbSNP rs1309872535, ClinGen allele CA410518048.